The following is an entry in ClinVar:

NM_000170.3(GLDC):c.1944del (p.Lys648fs)

Gene: GLDC (glycine decarboxylase; minus strand). Cytogenetic location: 9p24.1.
Variant type: Deletion.
Coding change: c.1944del on transcript NM_000170.3 (MANE Select); coding-DNA position 1944, one base deleted (A; older notation c.1944delA).
Protein change: p.Lys648fs; shifts the reading frame from lysine 648.
Molecular consequence: frameshift variant.
Genome position (GRCh38, 1-based): chr9:6,558,667, T deleted on the plus strand (A on the coding strand, the reverse complement: GLDC is on the minus strand); the first of 3 consecutive T bases (chr9:6,558,667-6,558,669); deleting any one gives the same sequence. VCF-style (leftmost placement, unchanged base first): chr9-6558666-AT-A. GRCh37 (hg19) VCF-style: chr9-6558666-AT-A.
Other names: short protein forms K648fs.
Identifiers: ClinVar variation 2034637 (VCV002034637.4), dbSNP rs2489039902, ClinGen allele CA2580080220.

ClinVar aggregate classification (germline): Pathogenic (1 of 4 stars; one submission).

Conditions:
Glycine encephalopathy. Also called: Nonketotic hyperglycinemia; Non-ketotic hyperglycinemia. Identifiers: Orphanet 407, MedGen C0751748, MONDO:0011612, HP:0008288.

Submission:

Labcorp Genetics (formerly Invitae), Labcorp
Classification: Pathogenic for Glycine encephalopathy. Last evaluated: 2022-10-07. Review status: criteria provided, single submitter. Criteria: Invitae Variant Classification Sherloc (09022015). Collection method: clinical testing. Allele origin: germline.
Comment: For these reasons, this variant has been classified as Pathogenic. This variant has not been reported in the literature in individuals affected with GLDC-related conditions. This variant is not present in population databases (gnomAD no frequency). This sequence change creates a premature translational stop signal (p.Lys648Asnfs*16) in the GLDC gene. It is expected to result in an absent or disrupted protein product. Loss-of-function variants in GLDC are known to be pathogenic (PMID: 16601880).

Literature cited by the submitters: PubMed 16601880.